The following is an entry in ClinVar:

ClinVar aggregate classification (germline): Uncertain significance (1 of 4 stars; one submission).

Conditions:
BRCA2-related cancer predisposition. Identifiers: MedGen CN377758, MONDO:0700269.

Submission:

All of Us Research Program, National Institutes of Health
Classification: Uncertain significance for BRCA2-related cancer predisposition. Last evaluated: 2024-08-06. Review status: criteria provided, single submitter. Criteria: ACMG Guidelines, 2015. Collection method: clinical testing. Allele origin: germline. Inheritance: Autosomal dominant inheritance. Observed: 1 variant allele, 1 heterozygote.
Comment: This study involves interpretation of variants in research participants for the purpose of population health screening. Participant phenotype was not available at the time of variant classification. Additional details can be found in publication PMID: 35346344, PMCID: PMC8962531

NM_000059.4(BRCA2):c.854A>C (p.Lys285Thr)

Gene: BRCA2 (BRCA2 DNA repair associated; plus strand). Cytogenetic location: 13q13.1.
Variant type: single nucleotide variant.
Coding change: c.854A>C on transcript NM_000059.4 (MANE Select); coding-DNA position 854, A replaced by C.
Protein change: p.Lys285Thr; replaces lysine 285 with threonine.
Molecular consequence: missense variant. On other transcripts: non-coding transcript variant (1), intron variant (1).
Genome position (GRCh38, 1-based): chr13:32,332,332, A>C. VCF-style: chr13-32332332-A-C. GRCh37 (hg19) VCF-style: chr13-32906469-A-C.
Other names: c.854A>C, p.Lys285Thr (NM_001406719.1, NM_001406720.1, NM_001406721.1 and 1 more transcripts); c.424+1302A>C (NM_001406722.1); short protein forms K285T.
Identifiers: ClinVar variation 3386232 (VCV003386232.1).